The following is an entry in ClinVar:

NM_000368.5(TSC1):c.24_42delinsCAA (p.Glu9fs)

Gene: TSC1 (TSC complex subunit 1; minus strand). Cytogenetic location: 9q34.13.
Variant type: Indel.
Coding change: c.24_42delinsCAA on transcript NM_000368.5 (MANE Select); coding-DNA positions 24 to 42, GGAGCTTCTTGCCATGCTG replaced by CAA.
Protein change: p.Glu9fs; shifts the reading frame from glutamic acid 9.
Molecular consequence: frameshift variant. On other transcripts: 5 prime UTR variant (1).
Genome position (GRCh38, 1-based): chr9:132,928,831-132,928,849, CAGCATGGCAAGAAGCTCC replaced by TTG on the plus strand (GGAGCTTCTTGCCATGCTG replaced by CAA on the coding strand, the reverse complement: TSC1 is on the minus strand). VCF-style: chr9-132928831-CAGCATGGCAAGAAGCTCC-TTG. GRCh37 (hg19) VCF-style: chr9-135804218-CAGCATGGCAAGAAGCTCC-TTG.
Other names: c.24_42delinsCAA, p.Glu9fs (NM_001162426.2, NM_001162427.2); c.-236_-218delinsCAA (NM_001362177.2); short protein forms E9fs.
Identifiers: ClinVar variation 466078 (VCV000466078.6), dbSNP rs1554821022, ClinGen allele CA658657932.

ClinVar aggregate classification (germline): Pathogenic (1 of 4 stars; one submission).

Conditions:
Tuberous sclerosis 1 (TSC1). Identifiers: Orphanet 805, MedGen C1854465, MONDO:0008612, OMIM 191100.

Submission:

Labcorp Genetics (formerly Invitae), Labcorp
Classification: Pathogenic for Tuberous sclerosis 1. Last evaluated: 2018-10-05. Review status: criteria provided, single submitter. Criteria: Invitae Variant Classification Sherloc (09022015). Collection method: clinical testing. Allele origin: germline.
Comment: For these reasons, this variant has been classified as Pathogenic. Loss-of-function variants in TSC1 are known to be pathogenic (PMID: 10227394, 17304050). This variant has not been reported in the literature in individuals with a TSC1-related disease. This variant is not present in population databases (ExAC no frequency). This sequence change creates a premature translational stop signal (p.Glu9Lysfs*12) in the TSC1 gene. It is expected to result in an absent or disrupted protein product.

Literature cited by the submitters: PubMed 10227394; PubMed 17304050.